The following is an entry in ClinVar:

ClinVar aggregate classification (germline): Uncertain significance. Review status: criteria provided, multiple submitters, no conflicts (2 of 4 stars). 2 submissions from 2 submitters: Uncertain significance (2). Last evaluated 2023-11-10.

Conditions:
Mucopolysaccharidosis, MPS-III-A (MPS3A). Also called: Mucopolysaccharidosis, type IIIA; mucopolysaccharidosis type 3A; MPS IIIA (Sanfilippo Syndrome Type A); HEPARAN SULFATE SULFATASE DEFICIENCY; Mucopolysaccharidosis type IIIA (Sanfilippo A); SANFILIPPO SYNDROME A. Identifiers: Orphanet 581, Orphanet 79269, MedGen C0086647, MONDO:0009655, OMIM 252900.

Allele frequency attached by ClinVar (database versions not stated): gnomAD exomes 0.00003; TOPMed 0.00003; gnomAD 0.00001; ESP Exome Variant Server 0.00008; ExAC 0.00008.
gnomAD v4.1: 21 of 1,588,444 alleles (0.0013%); highest among the groups gnomAD compares: Admixed American, 0.013%; no homozygotes.

Submissions (2):

Department of Pathology and Laboratory Medicine, Sinai Health System
Classification: Uncertain significance for Mucopolysaccharidosis, MPS-III-A. Last evaluated: 2023-11-10. Review status: criteria provided, single submitter. Criteria: ACMG Guidelines, 2015. Collection method: research. Allele origin: germline.

Labcorp Genetics (formerly Invitae), Labcorp
Classification: Uncertain significance for Mucopolysaccharidosis, MPS-III-A. Last evaluated: 2022-09-01. Review status: criteria provided, single submitter. Criteria: Invitae Variant Classification Sherloc (09022015). Collection method: clinical testing. Allele origin: germline.
Comment: This sequence change replaces alanine, which is neutral and non-polar, with threonine, which is neutral and polar, at codon 75 of the SGSH protein (p.Ala75Thr). The frequency data for this variant in the population databases is considered unreliable, as metrics indicate poor data quality at this position in the gnomAD database. This variant has not been reported in the literature in individuals affected with SGSH-related conditions. ClinVar contains an entry for this variant (Variation ID: 1346923). Advanced modeling of protein sequence and biophysical properties (such as structural, functional, and spatial information, amino acid conservation, physicochemical variation, residue mobility, and thermodynamic stability) performed at Invitae indicates that this missense variant is expected to disrupt SGSH protein function. In summary, the available evidence is currently insufficient to determine the role of this variant in disease. Therefore, it has been classified as a Variant of Uncertain Significance.

NM_000199.5(SGSH):c.223G>A (p.Ala75Thr)

Gene: SGSH (N-sulfoglucosamine sulfohydrolase; minus strand). Cytogenetic location: 17q25.3.
Variant type: single nucleotide variant.
Coding change: c.223G>A on transcript NM_000199.5 (MANE Select); coding-DNA position 223, G replaced by A.
Protein change: p.Ala75Thr; replaces alanine 75 with threonine.
Molecular consequence: missense variant. On other transcripts: non-coding transcript variant (1).
Genome position (GRCh38, 1-based): chr17:80,217,058, C>T on the plus strand (G>A on the coding strand, the complement: SGSH is on the minus strand). VCF-style: chr17-80217058-C-T. GRCh37 (hg19) VCF-style: chr17-78190857-C-T.
Other names: c.223G>A, p.Ala75Thr (NM_001352921.3, NM_001352922.2); short protein forms A75T.
Identifiers: ClinVar variation 1346923 (VCV001346923.4), dbSNP rs137953179, ClinGen allele CA8818140.